The following is an entry in ClinVar:

ClinVar aggregate classification (germline): Pathogenic (0 of 4 stars; one submission).

Conditions:
alpha Thalassemia. Also called: Alpha thalassemia spectrum. Identifiers: Orphanet 846, MedGen C0002312, MONDO:0011399, OMIM 604131.

Submission:

GeneReviews
Classification: Pathogenic for alpha Thalassemia. Last evaluated: 2016-12-29. Review status: no assertion criteria provided. Collection method: literature only. Allele origin: germline.
Comment: alpha-thalassemia variant with 4.2-kb leftward deletion of HBA2

-alpha4.2

Gene: HBA2 (hemoglobin subunit alpha 2; plus strand). Cytogenetic location: 16p13.3.
Variant type: Deletion.
Identifiers: ClinVar variation 375752 (VCV000375752.1).